The following is an entry in ClinVar:

ClinVar aggregate classification (germline): Uncertain significance (1 of 4 stars; one submission).

Submission:

Labcorp Genetics (formerly Invitae), Labcorp
Classification: Uncertain significance. Last evaluated: 2022-08-09. Review status: criteria provided, single submitter. Criteria: Invitae Variant Classification Sherloc (09022015). Collection method: clinical testing. Allele origin: germline.
Comment: This sequence change replaces tyrosine, which is neutral and polar, with histidine, which is basic and polar, at codon 1374 of the LCT protein (p.Tyr1374His). This variant is not present in population databases (gnomAD no frequency). This variant has not been reported in the literature in individuals affected with LCT-related conditions. ClinVar contains an entry for this variant (Variation ID: 1370266). Algorithms developed to predict the effect of missense changes on protein structure and function are either unavailable or do not agree on the potential impact of this missense change (SIFT: "Not Available"; PolyPhen-2: "Possibly Damaging"; Align-GVGD: "Not Available"). In summary, the available evidence is currently insufficient to determine the role of this variant in disease. Therefore, it has been classified as a Variant of Uncertain Significance.

NM_002299.4(LCT):c.4120T>C (p.Tyr1374His)

Gene: LCT (lactase; minus strand). Cytogenetic location: 2q21.3.
Variant type: single nucleotide variant.
Coding change: c.4120T>C on transcript NM_002299.4 (MANE Select); coding-DNA position 4120, T replaced by C.
Protein change: p.Tyr1374His; replaces tyrosine 1374 with histidine.
Molecular consequence: missense variant.
Genome position (GRCh38, 1-based): chr2:135,807,181, A>G on the plus strand (T>C on the coding strand, the complement: LCT is on the minus strand). VCF-style: chr2-135807181-A-G. GRCh37 (hg19) VCF-style: chr2-136564751-A-G.
Other names: short protein forms Y1374H.
Identifiers: ClinVar variation 1370266 (VCV001370266.5), dbSNP rs75105487, ClinGen allele CA348597453.